The following is an entry in ClinVar:

ClinVar aggregate classification (germline): Uncertain significance (1 of 4 stars; one submission).

Conditions:
Hereditary cancer-predisposing syndrome. Also called: Tumor predisposition; Neoplastic Syndromes, Hereditary; Hereditary neoplastic syndrome; Hereditary Cancer Syndrome. Identifiers: Orphanet 140162, MedGen C0027672, MeSH D009386, MONDO:0015356.

Submission:

Ambry Genetics
Classification: Uncertain significance for Hereditary cancer-predisposing syndrome. Last evaluated: 2025-08-27. Review status: criteria provided, single submitter. Criteria: Ambry Variant Classification Scheme 2023. Collection method: clinical testing. Allele origin: germline.
Comment: The p.C517F variant (also known as c.1550G>T), located in coding exon 16 of the MUTYH gene, results from a G to T substitution at nucleotide position 1550. The cysteine at codon 517 is replaced by phenylalanine, an amino acid with highly dissimilar properties. This amino acid position is conserved. In addition, this alteration is predicted to be tolerated by in silico analysis. Based on the available evidence, the clinical significance of this variant remains unclear.

NM_001048174.2(MUTYH):c.1466G>T (p.Cys489Phe)

Gene: MUTYH (mutY DNA glycosylase; minus strand). Cytogenetic location: 1p34.1.
Variant type: single nucleotide variant.
Coding change: c.1466G>T on transcript NM_001048174.2 (MANE Select); coding-DNA position 1466, G replaced by T.
Protein change: p.Cys489Phe; replaces cysteine 489 with phenylalanine.
Molecular consequence: missense variant. On other transcripts: non-coding transcript variant (7).
Genome position (GRCh38, 1-based): chr1:45,329,406, C>A on the plus strand (G>T on the coding strand, the complement: MUTYH is on the minus strand). VCF-style: chr1-45329406-C-A. GRCh37 (hg19) VCF-style: chr1-45795078-C-A.
Other names: c.1466G>T, p.Cys489Phe (NM_001048171.2, NM_001048173.2, NM_001293195.2 and 6 more transcripts); c.1469G>T, p.Cys490Phe (NM_001048172.2, NM_001407086.1, NM_001407071.1 and 1 more transcripts); c.1550G>T, p.Cys517Phe (NM_001128425.2); c.1511G>T, p.Cys504Phe (NM_001293190.2); c.1499G>T, p.Cys500Phe (NM_001293191.2, NM_001407069.1, NM_001407077.1); c.1190G>T, p.Cys397Phe (NM_001293192.2, NM_001293196.2, NM_001407091.1); c.1121G>T, p.Cys374Phe (NM_001350650.2, NM_001350651.2, NM_001407082.1); c.1508G>T, p.Cys503Phe (NM_001407083.1, NM_001407085.1); and 5 more; short protein forms C374F, C397F, C489F, C496F, C475F, C490F, C461F, C500F.
Identifiers: ClinVar variation 4113352 (VCV004113352.1).
Genomic context (GRCh38, chr1:45,329,406, plus strand): 5'-ATGTGAGACCGAAAGAAATTATCCAGGACTTGCTGGCCCATGCGGGGCTTTTTCCGACTG[C>A]ACGGAGAGGACACCTGGGACCTTTTGGAACCCTGTGAAAAAATGGAAGGAGGGAGGCCTT-3'
Protein context (NP_001041639.1, residues 479-499): GSKRSQVSSP[Cys489Phe]SRKKPRMGQQ